The following is an entry in ClinVar:

ClinVar aggregate classification (germline): Pathogenic (1 of 4 stars; one submission).

Submission:

Labcorp Genetics (formerly Invitae), Labcorp
Classification: Pathogenic. Last evaluated: 2024-10-16. Review status: criteria provided, single submitter. Criteria: Invitae Variant Classification Sherloc (09022015). Collection method: clinical testing. Allele origin: germline.
Comment: This sequence change creates a premature translational stop signal (p.Asn122Lysfs*22) in the KIF11 gene. It is expected to result in an absent or disrupted protein product. Loss-of-function variants in KIF11 are known to be pathogenic (PMID: 22284827, 24281367). This variant is not present in population databases (gnomAD no frequency). This variant has not been reported in the literature in individuals affected with KIF11-related conditions. ClinVar contains an entry for this variant (Variation ID: 1069460). For these reasons, this variant has been classified as Pathogenic.

Literature cited by the submitters: PubMed 22284827; PubMed 24281367.

NM_004523.4(KIF11):c.366_370del (p.Asn122fs)

Gene: KIF11 (kinesin family member 11; plus strand). Cytogenetic location: 10q23.33.
Variant type: Deletion.
Coding change: c.366_370del on transcript NM_004523.4 (MANE Select); coding-DNA positions 366 to 370, 5 bases deleted (TGAAG; older notation c.366_370delTGAAG).
Protein change: p.Asn122fs; shifts the reading frame from asparagine 122.
Molecular consequence: frameshift variant.
Genome position (GRCh38, 1-based): chr10:92,607,216-92,607,220, TGAAG deleted. VCF-style (leftmost placement, unchanged base first): chr10-92607215-ATGAAG-A. GRCh37 (hg19) VCF-style: chr10-94366972-ATGAAG-A.
Other names: short protein forms N122fs.
Identifiers: ClinVar variation 1069460 (VCV001069460.7), dbSNP rs2135901148, ClinGen allele CA2499220493.